The following is an entry in ClinVar:

NM_152309.3(PIK3AP1):c.100A>G (p.Ser34Gly)

Gene: PIK3AP1 (phosphoinositide-3-kinase adaptor protein 1; minus strand). Cytogenetic location: 10q24.1.
Variant type: single nucleotide variant.
Coding change: c.100A>G on transcript NM_152309.3 (MANE Select); coding-DNA position 100, A replaced by G.
Protein change: p.Ser34Gly; replaces serine 34 with glycine.
Molecular consequence: missense variant.
Genome position (GRCh38, 1-based): chr10:96,709,897, T>C on the plus strand (A>G on the coding strand, the complement: PIK3AP1 is on the minus strand). VCF-style: chr10-96709897-T-C. GRCh37 (hg19) VCF-style: chr10-98469654-T-C.
Other names: short protein forms S34G.
Identifiers: ClinVar variation 3646862 (VCV003646862.2).

ClinVar aggregate classification (germline): Uncertain significance (1 of 4 stars; one submission).

Conditions:
Infantile spasms. Also called: Infantile spasm. Identifiers: MedGen C3887898, HP:0012469.

Submission:

Labcorp Genetics (formerly Invitae), Labcorp
Classification: Uncertain significance for Infantile spasms. Last evaluated: 2024-05-29. Review status: criteria provided, single submitter. Criteria: Invitae Variant Classification Sherloc (09022015). Collection method: clinical testing. Allele origin: germline.
Comment: This sequence change replaces serine, which is neutral and polar, with glycine, which is neutral and non-polar, at codon 34 of the PIK3AP1 protein (p.Ser34Gly). This variant is not present in population databases (gnomAD no frequency). This variant has not been reported in the literature in individuals affected with PIK3AP1-related conditions. An algorithm developed to predict the effect of missense changes on protein structure and function (PolyPhen-2) suggests that this variant is likely to be tolerated. In summary, the available evidence is currently insufficient to determine the role of this variant in disease. Therefore, it has been classified as a Variant of Uncertain Significance.